The following is an entry in ClinVar:

NM_001375808.2(LPIN2):c.2495_2496dup (p.Asn833Ter)

Gene: LPIN2 (lipin 2; minus strand). Cytogenetic location: 18p11.31.
Variant type: Duplication.
Coding change: c.2495_2496dup on transcript NM_001375808.2 (MANE Select); coding-DNA positions 2495 to 2496, 2 bases duplicated (TG; older notation c.2495_2496dupTG).
Protein change: p.Asn833Ter; replaces asparagine 833 with a stop codon.
Molecular consequence: nonsense.
Genome position (GRCh38, 1-based): chr18:2,920,828-2,920,829, CA duplicated on the plus strand (TG on the coding strand, the reverse complement: LPIN2 is on the minus strand); duplicating any 2 consecutive bases within chr18:2,920,828-2,920,830 gives the same sequence; the c. name uses the placement nearest the transcript's 3' end. VCF-style (leftmost placement, unchanged base first): chr18-2920827-T-TCA. GRCh37 (hg19) VCF-style: chr18-2920825-T-TCA.
Other names: c.2495_2496dup, p.Asn833Ter (NM_001375809.1, NM_014646.2); short protein forms N833*.
Identifiers: ClinVar variation 1432195 (VCV001432195.6), dbSNP rs2144112462, ClinGen allele CA2573155127.

ClinVar aggregate classification (germline): Pathogenic (1 of 4 stars; one submission).

Conditions:
Majeed syndrome (MJDS). Also called: CHRONIC RECURRENT MULTIFOCAL OSTEOMYELITIS 1, WITH CONGENITAL DYSERYTHROPOIETIC ANEMIA, WITH OR WITHOUT NEUTROPHILIC DERMATOSIS; LPIN2-Related Majeed Syndrome. Identifiers: Orphanet 77297, MedGen C1864997, MONDO:0012316, OMIM 609628.

Submission:

Labcorp Genetics (formerly Invitae), Labcorp
Classification: Pathogenic for Majeed syndrome. Last evaluated: 2021-07-15. Review status: criteria provided, single submitter. Criteria: Invitae Variant Classification Sherloc (09022015). Collection method: clinical testing. Allele origin: germline.
Comment: This variant has not been reported in the literature in individuals affected with LPIN2-related conditions. This variant is not present in population databases (ExAC no frequency). This sequence change creates a premature translational stop signal (p.Asn833*) in the LPIN2 gene. It is expected to result in an absent or disrupted protein product. Loss-of-function variants in LPIN2 are known to be pathogenic (PMID: 15994876, 23087183). For these reasons, this variant has been classified as Pathogenic.

Literature cited by the submitters: PubMed 15994876; PubMed 23087183.